The following is an entry in ClinVar:

ClinVar aggregate classification (germline): Uncertain significance (1 of 4 stars; one submission).

Conditions:
Hereditary cancer-predisposing syndrome. Also called: Neoplastic Syndromes, Hereditary; Tumor predisposition; Hereditary Cancer Syndrome; Hereditary neoplastic syndrome. Identifiers: Orphanet 140162, MedGen C0027672, MeSH D009386, MONDO:0015356.

gnomAD v4.1: 1 of 1,613,912 alleles (0.000062%); highest among the groups gnomAD compares: South Asian, 0.0011%; no homozygotes.

Submission:

Ambry Genetics
Classification: Uncertain significance for Hereditary cancer-predisposing syndrome. Last evaluated: 2021-05-14. Review status: criteria provided, single submitter. Criteria: Ambry Variant Classification Scheme 2023. Collection method: clinical testing. Allele origin: germline.
Comment: The p.I655F variant (also known as c.1963A>T), located in coding exon 17 of the MRE11A gene, results from an A to T substitution at nucleotide position 1963. The isoleucine at codon 655 is replaced by phenylalanine, an amino acid with highly similar properties. This amino acid position is not well conserved in available vertebrate species. In addition, this alteration is predicted to be tolerated by in silico analysis. Since supporting evidence is limited at this time, the clinical significance of this alteration remains unclear.

NM_005591.4(MRE11):c.1963A>T (p.Ile655Phe)

Gene: MRE11 (MRE11 double strand break repair nuclease; minus strand). Cytogenetic location: 11q21.
Variant type: single nucleotide variant.
Coding change: c.1963A>T on transcript NM_005591.4 (MANE Select); coding-DNA position 1963, A replaced by T.
Protein change: p.Ile655Phe; replaces isoleucine 655 with phenylalanine.
Molecular consequence: missense variant.
Genome position (GRCh38, 1-based): chr11:94,435,863, T>A on the plus strand (A>T on the coding strand, the complement: MRE11 is on the minus strand). VCF-style: chr11-94435863-T-A. GRCh37 (hg19) VCF-style: chr11-94169029-T-A.
Other names: c.1960A>T, p.Ile654Phe (NM_001330347.2); c.1879A>T, p.Ile627Phe (NM_005590.4); short protein forms I627F, I654F, I655F.
Identifiers: ClinVar variation 1799833 (VCV001799833.2), dbSNP rs770693038, ClinGen allele CA382374081.
Genomic context (GRCh38, chr11:94,435,863, plus strand): 5'-TTTCTTTTGCAGAAAATCACTGCACCTACCTTTGATCTGTCTTTGAAGTGGTAGGAAAAA[T>A]GTCTTCTTCCACATCTGATTCATCTACCTCAATCACCTGGCAAGGAAACAAAGCAACAAA-3'
Protein context (NP_005582.1, residues 645-665): EVDESDVEED[Ile655Phe]FPTTSKTDQR